The following is an entry in ClinVar:

ClinVar aggregate classification (germline): Uncertain significance (1 of 4 stars; one submission).

Conditions:
Joubert syndrome. Also called: JOUBERT-BOLTSHAUSER SYNDROME; Familial aplasia of the vermis. Identifiers: Orphanet 475, MedGen C5979921, MONDO:0018772.
Meckel-Gruber syndrome. Also called: DYSENCEPHALIA SPLANCHNOCYSTICA; GRUBER SYNDROME; Dysencephalia splachnocystica. Identifiers: Orphanet 564, MedGen C0265215, MONDO:0018921.

gnomAD v4.1: 1 of 1,576,116 alleles (0.000063%); highest among the groups gnomAD compares: Non-Finnish European, 0.000086%; no homozygotes.

Submission:

Labcorp Genetics (formerly Invitae), Labcorp
Classification: Uncertain significance for Joubert syndrome; Meckel-Gruber syndrome. Last evaluated: 2022-01-07. Review status: criteria provided, single submitter. Criteria: Invitae Variant Classification Sherloc (09022015). Collection method: clinical testing. Allele origin: germline.
Comment: This sequence change replaces isoleucine, which is neutral and non-polar, with leucine, which is neutral and non-polar, at codon 1508 of the CC2D2A protein (p.Ile1508Leu). This variant is not present in population databases (gnomAD no frequency). This variant has not been reported in the literature in individuals affected with CC2D2A-related conditions. Algorithms developed to predict the effect of missense changes on protein structure and function (SIFT, PolyPhen-2, Align-GVGD) all suggest that this variant is likely to be tolerated. In summary, the available evidence is currently insufficient to determine the role of this variant in disease. Therefore, it has been classified as a Variant of Uncertain Significance.

NM_001378615.1(CC2D2A):c.4522A>C (p.Ile1508Leu)

Genes: CC2D2A (coiled-coil and C2 domain containing 2A; plus strand), FBXL5 (F-box and leucine rich repeat protein 5; minus strand). Cytogenetic location: 4p15.32.
Variant type: single nucleotide variant.
Coding change: c.4522A>C on transcript NM_001378615.1 (MANE Select); coding-DNA position 4522, A replaced by C.
Protein change: p.Ile1508Leu; replaces isoleucine 1508 with leucine.
Molecular consequence: missense variant.
Genome position (GRCh38, 1-based): chr4:15,599,554, A>C. VCF-style: chr4-15599554-A-C. GRCh37 (hg19) VCF-style: chr4-15601177-A-C.
Other names: c.4522A>C, p.Ile1508Leu (NM_001080522.2); c.4375A>C, p.Ile1459Leu (NM_001378617.1); short protein forms I1459L, I1508L.
Identifiers: ClinVar variation 2047871 (VCV002047871.4), dbSNP rs1721482881, ClinGen allele CA356433722.